The following is an entry in ClinVar:

ClinVar aggregate classification (germline): Uncertain significance. Review status: criteria provided, multiple submitters, no conflicts (2 of 4 stars). 3 submissions from 3 submitters: Uncertain significance (2). 1 of the submissions does not count toward it. Last evaluated 2026-01-06.

Conditions:
CFTR-related disorder (CFTR-RD). Also called: CFTR-related condition; CFTR-related disorders. Identifiers: MedGen C5924204, MONDO:7770004.
Cystic fibrosis (CF). Also called: MUCOVISCIDOSIS. Identifiers: Orphanet 586, MedGen C0010674, MONDO:0009061, OMIM 219700. Disease mechanism: loss of function.

Allele frequency attached by ClinVar (database versions not stated): gnomAD exomes below 0.00001.
gnomAD v4.1: 1 of 1,593,848 alleles (0.000063%); highest among the groups gnomAD compares: South Asian, 0.0011%; no homozygotes.

Submissions (3):

Women's Health and Genetics/Laboratory Corporation of America, LabCorp
Classification: Uncertain significance. Last evaluated: 2026-01-06. Review status: criteria provided, single submitter. Criteria: LabCorp Variant Classification Summary - May 2015. Collection method: clinical testing. Allele origin: germline.
Comment: Variant summary: CFTR c.1150G>A (p.Glu384Lys) results in a conservative amino acid change in the encoded protein sequence. Algorithms developed to predict the effect of missense changes on protein structure and function are either unavailable or do not agree on the potential impact of this missense change. The variant was absent in 250922 control chromosomes. The available data on variant occurrences in the general population are insufficient to allow any conclusion about variant significance. To our knowledge, no occurrence of c.1150G>A in individuals affected with CFTR-related conditions has been reported. At least one publication reports experimental evidence evaluating an impact on protein function. The most pronounced variant effect resulted in approximately 43% of normal chloride channel conductance relative to wild type (e.g., Bihler_2024). The following publication has been ascertained in the context of this evaluation (PMID: 38388235). ClinVar contains an entry for this variant (Variation ID: 1734014). Based on the evidence outlined above, the variant was classified as uncertain significance.

Ambry Genetics
Classification: Uncertain significance for Cystic fibrosis. Last evaluated: 2021-08-29. Review status: criteria provided, single submitter. Criteria: Ambry Variant Classification Scheme 2023. Collection method: clinical testing. Allele origin: germline.
Comment: The p.E384K variant (also known as c.1150G>A), located in coding exon 9 of the CFTR gene, results from a G to A substitution at nucleotide position 1150. The glutamic acid at codon 384 is replaced by lysine, an amino acid with similar properties. This amino acid position is conserved. In addition, this alteration is predicted to be deleterious by in silico analysis. Since supporting evidence is limited at this time, the clinical significance of this alteration remains unclear.

Natera, Inc.
Classification: Uncertain significance for CFTR-related disorders. Last evaluated: 2025-02-16. Review status: no assertion criteria provided. Collection method: clinical testing. Allele origin: germline. Not counted in ClinVar's aggregate classification.

Literature cited by the submitters: PubMed 38388235 (cited by Women's Health and Genetics/Laboratory Corporation of America, LabCorp).

NM_000492.4(CFTR):c.1150G>A (p.Glu384Lys)

Gene: CFTR (CF transmembrane conductance regulator; plus strand). Cytogenetic location: 7q31.2.
Variant type: single nucleotide variant.
Coding change: c.1150G>A on transcript NM_000492.4 (MANE Select); coding-DNA position 1150, G replaced by A.
Protein change: p.Glu384Lys; replaces glutamic acid 384 with lysine.
Molecular consequence: missense variant.
Genome position (GRCh38, 1-based): chr7:117,542,049, G>A. VCF-style: chr7-117542049-G-A. GRCh37 (hg19) VCF-style: chr7-117182103-G-A.
Other names: short protein forms E384K.
Identifiers: ClinVar variation 1734014 (VCV001734014.4), dbSNP rs1799061745, ClinGen allele CA368979975.